The following is an entry in ClinVar:

NM_004722.4(AP4M1):c.847C>T (p.Arg283Trp)

Gene: AP4M1 (adaptor related protein complex 4 subunit mu 1; plus strand). Cytogenetic location: 7q22.1.
Variant type: single nucleotide variant.
Coding change: c.847C>T on transcript NM_004722.4 (MANE Select); coding-DNA position 847, C replaced by T.
Protein change: p.Arg283Trp; replaces arginine 283 with tryptophan.
Molecular consequence: missense variant.
Genome position (GRCh38, 1-based): chr7:100,105,457, C>T. VCF-style: chr7-100105457-C-T. GRCh37 (hg19) VCF-style: chr7-99703080-C-T.
Other names: p.Arg283Trp; c.868C>T, p.Arg290Trp (NM_001363671.2); short protein forms R283W, R290W.
Identifiers: ClinVar variation 538434 (VCV000538434.15), dbSNP rs575096086, ClinGen allele CA4374832.
Genomic context (GRCh38, chr7:100,105,457, plus strand): 5'-AGTGGGGTCGTGAGACCAAACTAACCTTGTTGCTCTCTGGTCTCTCAGCTGACTGTGATG[C>T]GGTACCAACTCTCCGATGACCTCCCCTCACCGCTCCCCTTCCGGCTCTTCCCCTCTGTGC-3'
Protein context (NP_004713.2, residues 273-293): QPPQGELTVM[Arg283Trp]YQLSDDLPSP

ClinVar aggregate classification (germline): Uncertain significance. Review status: criteria provided, multiple submitters, no conflicts (2 of 4 stars). 5 submissions from 5 submitters: Uncertain significance (5). Last evaluated 2024-11-19.

Conditions:
Inborn genetic diseases. Identifiers: MedGen C0950123, MeSH D030342.
Hereditary spastic paraplegia 50 (SPG50). Also called: Spastic paraplegia 50, autosomal recessive. Identifiers: Orphanet 280763, MedGen C2752008, MONDO:0013048, OMIM 612936.

Allele frequency attached by ClinVar (database versions not stated): gnomAD 0.00006 and 0.00007; gnomAD exomes 0.00008; TOPMed 0.00008; ExAC 0.00009; 1000 Genomes Project 30x 0.00016; 1000 Genomes Project 0.00020.

Submissions (5):

Blueprint Genetics
Classification: Uncertain significance. Last evaluated: 2024-11-19. Review status: criteria provided, single submitter. Criteria: ACMG Guidelines, 2015. Collection method: clinical testing. Allele origin: germline.

Ambry Genetics
Classification: Uncertain significance for Inborn genetic diseases. Last evaluated: 2024-09-24. Review status: criteria provided, single submitter. Criteria: Ambry Variant Classification Scheme 2023. Collection method: clinical testing. Allele origin: germline.

GeneDx
Classification: Uncertain significance. Last evaluated: 2024-04-11. Review status: criteria provided, single submitter. Criteria: GeneDx Variant Classification Process June 2021. Collection method: clinical testing. Allele origin: germline. Affected: yes.
Comment: In silico analysis supports that this missense variant has a deleterious effect on protein structure/function; Has not been previously published as pathogenic or benign to our knowledge

Mayo Clinic Laboratories, Mayo Clinic
Classification: Uncertain significance. Last evaluated: 2023-02-13. Review status: criteria provided, single submitter. Criteria: ACMG Guidelines, 2015. Collection method: clinical testing. Allele origin: germline. Observed: 1 variant allele.
Comment: PM2

Labcorp Genetics (formerly Invitae), Labcorp
Classification: Uncertain significance for Hereditary spastic paraplegia 50. Last evaluated: 2021-08-28. Review status: criteria provided, single submitter. Criteria: Invitae Variant Classification Sherloc (09022015). Collection method: clinical testing. Allele origin: germline.
Comment: This sequence change replaces arginine with tryptophan at codon 283 of the AP4M1 protein (p.Arg283Trp). The arginine residue is highly conserved and there is a moderate physicochemical difference between arginine and tryptophan. This variant is present in population databases (rs575096086, ExAC 0.03%). This variant has not been reported in the literature in individuals affected with AP4M1-related conditions. Algorithms developed to predict the effect of missense changes on protein structure and function (SIFT, PolyPhen-2, Align-GVGD) all suggest that this variant is likely to be disruptive. In summary, the available evidence is currently insufficient to determine the role of this variant in disease. Therefore, it has been classified as a Variant of Uncertain Significance.